The following is an entry in ClinVar:

ClinVar aggregate classification (germline): Benign/Likely benign. Review status: criteria provided, multiple submitters, no conflicts (2 of 4 stars). 8 submissions from 8 submitters: Benign (3); Likely benign (5). Last evaluated 2026-01-27.

Conditions:
RECON progeroid syndrome (RECON). Identifiers: MedGen C5830504, MONDO:0957266, OMIM 620370.
Hereditary cancer-predisposing syndrome. Also called: Hereditary Cancer Syndrome; Neoplastic Syndromes, Hereditary; Tumor predisposition; Hereditary neoplastic syndrome. Identifiers: Orphanet 140162, MedGen C0027672, MeSH D009386, MONDO:0015356.
Hereditary breast ovarian cancer syndrome. Also called: Hereditary breast and ovarian cancer syndrome; BRCA1- and BRCA2-Associated Hereditary Breast and Ovarian Cancer; Hereditary breast and/or ovarian cancer syndrome; Hereditary breast and ovarian cancer syndrome (HBOC); Breast and ovarian cancer; Hereditary breast and ovarian cancer. Identifiers: Orphanet 145, MedGen C0677776, MeSH D061325, MONDO:0003582. Disease mechanism: loss of function.

Allele frequency attached by ClinVar (database versions not stated): ESP Exome Variant Server 0.00023; gnomAD 0.00045 and 0.00050; TOPMed 0.00048; ExAC 0.00076; gnomAD exomes 0.00089; 1000 Genomes Project 30x 0.00172; 1000 Genomes Project 0.00180.
gnomAD v4.1: 355 of 1,613,358 alleles (0.022%); highest among the groups gnomAD compares: East Asian, 0.46%; 1 homozygote.

Submissions (8):

Labcorp Genetics (formerly Invitae), Labcorp
Classification: Benign. Last evaluated: 2026-01-27. Review status: criteria provided, single submitter. Criteria: Invitae Variant Classification Sherloc (09022015). Collection method: clinical testing. Allele origin: germline.

Quest Diagnostics Nichols Institute San Juan Capistrano
Classification: Benign. Last evaluated: 2025-06-24. Review status: criteria provided, single submitter. Criteria: Quest Diagnostics criteria. Collection method: clinical testing. Allele origin: unknown.

ARUP Laboratories, Molecular Genetics and Genomics, ARUP Laboratories
Classification: Likely benign for RECON progeroid syndrome. Last evaluated: 2023-05-25. Review status: criteria provided, single submitter. Criteria: ARUP Molecular Germline Variant Investigation Process 2024. Collection method: clinical testing. Allele origin: germline.

Cancer Genomics Group, Japanese Foundation For Cancer Research
Classification: Likely benign for Hereditary breast ovarian cancer syndrome. Last evaluated: 2022-03-30. Review status: criteria provided, single submitter. Criteria: ACMG Guidelines, 2015. Collection method: research. Allele origin: germline. Affected: yes.

Ambry Genetics
Classification: Benign. Last evaluated: 2020-08-24. Review status: criteria provided, single submitter. Criteria: Ambry Variant Classification Scheme 2023. Collection method: clinical testing. Allele origin: germline.

Mendelics
Classification: Likely benign for Hereditary cancer-predisposing syndrome. Last evaluated: 2018-07-02. Review status: criteria provided, single submitter. Criteria: Mendelics Assertion Criteria 2017. Collection method: clinical testing. Allele origin: unknown.

GeneDx
Classification: Likely benign. Last evaluated: 2018-01-04. Review status: criteria provided, single submitter. Criteria: GeneDx Variant Classification (06012015). Collection method: clinical testing. Allele origin: germline. Affected: yes.
Comment: This variant is considered likely benign or benign based on one or more of the following criteria: it is a conservative change, it occurs at a poorly conserved position in the protein, it is predicted to be benign by multiple in silico algorithms, and/or has population frequency not consistent with disease.

Breakthrough Genomics
Classification: Likely benign. Review status: criteria provided, single submitter. Criteria: ACMG Guidelines, 2015. Collection method: not provided. Allele origin: germline. Inheritance: Unknown mechanism. Affected: yes.

Literature cited by the submitters: PubMed 25945795 (cited by Quest Diagnostics Nichols Institute San Juan Capistrano and Ambry Genetics); PubMed 35264596 (cited by Quest Diagnostics Nichols Institute San Juan Capistrano).

NM_002907.4(RECQL):c.1088A>G (p.Asn363Ser)

Gene: RECQL (RecQ like helicase; minus strand). Cytogenetic location: 12p12.1.
Variant type: single nucleotide variant.
Coding change: c.1088A>G on transcript NM_002907.4 (MANE Select); coding-DNA position 1088, A replaced by G.
Protein change: p.Asn363Ser; replaces asparagine 363 with serine.
Molecular consequence: missense variant.
Genome position (GRCh38, 1-based): chr12:21,475,686, T>C on the plus strand (A>G on the coding strand, the complement: RECQL is on the minus strand). VCF-style: chr12-21475686-T-C. GRCh37 (hg19) VCF-style: chr12-21628620-T-C.
Other names: c.1088A>G, p.Asn363Ser (NM_032941.3); short protein forms N363S.
Identifiers: ClinVar variation 514633 (VCV000514633.25), dbSNP rs138663409, ClinGen allele CA6478869.